The following is an entry in ClinVar:

ClinVar aggregate classification (germline): Conflicting classifications of pathogenicity. Review status: criteria provided, conflicting classifications (1 of 4 stars). 19 submissions from 15 submitters: Uncertain significance (4); Benign (4); Likely benign (10). 1 of the submissions does not count toward it. Last evaluated 2026-02-01.

Conditions:
Systolic heart failure. Identifiers: MedGen C1135191, MONDO:0006993.
Cardiovascular phenotype. Identifiers: MedGen CN230736.
TTN-related disorder. Also called: TTN-related condition; TTN-related disease; TTN-related disorders.
Autosomal recessive limb-girdle muscular dystrophy type 2J (LGMDR10). Also called: Limb-girdle muscular dystrophy, type 2J; MUSCULAR DYSTROPHY, LIMB-GIRDLE, AUTOSOMAL RECESSIVE 10. Identifiers: Orphanet 140922, MedGen C1837342, MONDO:0012127, OMIM 608807.
Dilated cardiomyopathy 1G (CMD1G). Identifiers: Orphanet 154, MedGen C1858763, MONDO:0011400, OMIM 604145.
Cardiomyopathy (CMYO). Also called: Cardiomyopathies. Identifiers: Orphanet 167848, MedGen C0878544, MONDO:0004994, HP:0001638. Inheritance: Various modes of inheritance.
Early-onset myopathy with fatal cardiomyopathy (CMYO5). Also called: Salih Myopathy; CONGENITAL MYOPATHY 5 WITH CARDIOMYOPATHY. Identifiers: Orphanet 289377, MedGen C2673677, MONDO:0012714, OMIM 611705. Disease mechanism: loss of function.
Myopathy, myofibrillar, 9, with early respiratory failure (MFM9). Also called: Hereditary myopathy with early respiratory failure; EDSTROM MYOPATHY; MYOPATHY, PROXIMAL, WITH EARLY RESPIRATORY MUSCLE INVOLVEMENT; Myopathy, distal, with early respiratory failure, autosomal dominant. Identifiers: Orphanet 178464, Orphanet 34521, MedGen C1863599, MONDO:0011362, OMIM 603689.
Tibial muscular dystrophy (TMD). Also called: UDD MYOPATHY; Udd Distal Myopathy – Tibial Muscular Dystrophy; Tibial muscular dystrophy, tardive. Identifiers: Orphanet 609, MedGen C1838244, MONDO:0010870, OMIM 600334.

Allele frequency attached by ClinVar (database versions not stated): gnomAD exomes 0.00024 and 0.00029; ExAC 0.00032; 1000 Genomes Project 30x 0.00047; 1000 Genomes Project 0.00060; gnomAD 0.00104 and 0.00110; ESP Exome Variant Server 0.00108; TOPMed 0.00124.
gnomAD v4.1: 526 of 1,614,070 alleles (0.033%); highest among the groups gnomAD compares: African/African-American, 0.27%; no homozygotes.

Submissions (19):

Labcorp Genetics (formerly Invitae), Labcorp
Classification: Likely benign for Dilated cardiomyopathy 1G; Autosomal recessive limb-girdle muscular dystrophy type 2J. Last evaluated: 2026-02-01. Review status: criteria provided, single submitter. Criteria: Invitae Variant Classification Sherloc (09022015). Collection method: clinical testing. Allele origin: germline.

Women's Health and Genetics/Laboratory Corporation of America, LabCorp
Classification: Likely benign. Last evaluated: 2025-10-13. Review status: criteria provided, single submitter. Criteria: LabCorp Variant Classification Summary - May 2015. Collection method: clinical testing. Allele origin: germline.
Comment: Variant summary: TTN c.5668C>T (p.Arg1890Cys) results in a non-conservative amino acid change located in the near Z-disk / I-band of the encoded protein sequence. Algorithms developed to predict the effect of missense changes on protein structure and function all suggest that this variant is likely to be disruptive. The variant allele was found at a frequency of 0.00029 in 250988 control chromosomes, predominantly at a frequency of 0.0019 within the African or African-American subpopulation in the gnomAD database. The observed variant frequency within African or African-American control individuals in the gnomAD database exceeds the estimated maximal expected allele frequency for disease-causing variants in TTN. c.5668C>T has been reported in the literature in at least one individual affected with Dilated Cardiomyopathy and in a case of sudden unexplained death, without strong evidence for causality (e.g. Haas_2015, Campuzano_2015). These report(s) do not provide unequivocal conclusions about association of the variant with Dilated Cardiomyopathy and other TTN related conditions. To our knowledge, no experimental evidence demonstrating an impact on protein function has been reported. The following publications have been ascertained in the context of this evaluation (PMID: 26516846, 25163546). ClinVar contains an entry for this variant (Variation ID: 47210). Based on the evidence outlined above, the variant was classified as likely benign.

ARUP Laboratories, Molecular Genetics and Genomics, ARUP Laboratories
Classification: Likely benign. Last evaluated: 2025-07-08. Review status: criteria provided, single submitter. Criteria: ARUP Molecular Germline Variant Investigation Process 2024. Collection method: clinical testing. Allele origin: germline.

Molecular Diagnostic Laboratory for Inherited Cardiovascular Disease, Montreal Heart Institute
Classification: Likely benign. Last evaluated: 2025-04-09. Review status: criteria provided, single submitter. Criteria: ACMG Guidelines, 2015. Collection method: clinical testing. Allele origin: germline. Affected: no.

Blueprint Genetics
Classification: Likely benign. Last evaluated: 2024-11-13. Review status: criteria provided, single submitter. Criteria: ACMG Guidelines, 2015. Collection method: clinical testing. Allele origin: germline.

GeneDx
Classification: Likely benign. Last evaluated: 2020-07-28. Review status: criteria provided, single submitter. Criteria: GeneDx Variant Classification Process June 2021. Collection method: clinical testing. Allele origin: germline. Affected: yes.
Comment: This variant is associated with the following publications: (PMID: 23861362, 25163546)

CHEO Genetics Diagnostic Laboratory, Children's Hospital of Eastern Ontario
Classification: Benign for Cardiomyopathy. Last evaluated: 2020-03-17. Review status: criteria provided, single submitter. Criteria: ACMG Guidelines, 2015. Collection method: clinical testing. Allele origin: germline.

Athena Diagnostics
Classification: Benign. Last evaluated: 2019-05-03. Review status: criteria provided, single submitter. Criteria: Athena Diagnostics Criteria. Collection method: clinical testing. Allele origin: germline.

Ambry Genetics
Classification: Likely benign for Cardiovascular phenotype. Last evaluated: 2018-09-27. Review status: criteria provided, single submitter. Criteria: Ambry Variant Classification Scheme 2023. Collection method: clinical testing. Allele origin: germline.

Center for Advanced Laboratory Medicine, UC San Diego Health, University of California San Diego
Classification: Likely benign for Heart failure, systolic. Last evaluated: 2018-03-26. Review status: criteria provided, single submitter. Criteria: ACMG Guidelines, 2015. Collection method: clinical testing. Allele origin: germline. Affected: yes. Observed: 2 variant alleles.

Illumina Laboratory Services, Illumina
Classification: Uncertain significance for Dilated cardiomyopathy 1G. Last evaluated: 2018-01-13. Review status: criteria provided, single submitter. Criteria: ICSL Variant Classification Criteria 13 December 2019. Collection method: clinical testing. Allele origin: germline.

Illumina Laboratory Services, Illumina
Classification: Benign for Myopathy, myofibrillar, 9, with early respiratory failure. Last evaluated: 2018-01-13. Review status: criteria provided, single submitter. Criteria: ICSL Variant Classification Criteria 13 December 2019. Collection method: clinical testing. Allele origin: germline.
Comment: This variant was observed in the ICSL laboratory as part of a predisposition screen in an ostensibly healthy population. It had not been previously curated by ICSL or reported in the Human Gene Mutation Database (HGMD: prior to June 1st, 2018), and was therefore a candidate for classification through an automated scoring system. Utilizing variant allele frequency, disease prevalence and penetrance estimates, and inheritance mode, an automated score was calculated to assess if this variant is too frequent to cause the disease. Based on the score and internal cut-off values, a variant classified as benign is not then subjected to further curation. The score for this variant resulted in a classification of benign for this disease.

Illumina Laboratory Services, Illumina
Classification: Benign for Tibial muscular dystrophy. Last evaluated: 2018-01-13. Review status: criteria provided, single submitter. Criteria: ICSL Variant Classification Criteria 13 December 2019. Collection method: clinical testing. Allele origin: germline.
Comment: the same text as in the submission from Illumina Laboratory Services, Illumina above.

Illumina Laboratory Services, Illumina
Classification: Uncertain significance for Autosomal recessive limb-girdle muscular dystrophy type 2J. Last evaluated: 2018-01-13. Review status: criteria provided, single submitter. Criteria: ICSL Variant Classification Criteria 13 December 2019. Collection method: clinical testing. Allele origin: germline.

Illumina Laboratory Services, Illumina
Classification: Uncertain significance for Early-onset myopathy with fatal cardiomyopathy. Last evaluated: 2018-01-13. Review status: criteria provided, single submitter. Criteria: ICSL Variant Classification Criteria 13 December 2019. Collection method: clinical testing. Allele origin: germline.

Eurofins Ntd Llc (ga)
Classification: Likely benign. Last evaluated: 2017-09-27. Review status: criteria provided, single submitter. Criteria: EGL Classification Definitions 2015. Collection method: clinical testing. Allele origin: germline. Observed: 8 variant alleles, 8 heterozygotes.

Biesecker Lab/Clinical Genomics Section, National Institutes of Health
Classification: Likely benign. Last evaluated: 2013-06-24. Review status: criteria provided, single submitter. Criteria: Ng et al. (Circ Cardiovasc Genet. 2013). Collection method: research. Allele origin: unknown. Observed: 2 variant alleles. Study: ClinSeq.
Comment: The study set was not selected for affection status in relation to any cancer. Pathogenicity categories were based on literature curation. See Pubmed ID:23861362 for details.

Medical sequencing

Laboratory for Molecular Medicine, Mass General Brigham Personalized Medicine
Classification: Uncertain significance. Last evaluated: 2013-02-12. Review status: criteria provided, single submitter. Criteria: LMM Criteria. Collection method: clinical testing. Allele origin: germline. Observed: 2 variant alleles.
Comment: Variant classified as Uncertain Significance - Favor Benign. The Arg1890Cys vari ant in TTN has not been previously reported in the literature, but has been iden tified by our laboratory in 1 individual with DCM and 1 individual with HCM. In addition, this variant has been identified in 0.2% (10/4406) of African American chromosomes from a broad population by the NHLBI Exome Sequencing Project (dbSNP rs146496197). Computational analyses (bioch emical amino acid properties, conservation, AlignGVGD, PolyPhen2, and SIFT) do n ot provide strong support for or against an impact to the protein. While this fr equency suggests that this variant is more likely benign, it is too low to confi dently rule out a disease causing role. Additional information is needed to full y assess its clinical significance.

PreventionGenetics, part of Exact Sciences
Classification: Likely benign for TTN-related condition. Last evaluated: 2022-12-12. Review status: no assertion criteria provided. Collection method: clinical testing. Allele origin: germline. Not counted in ClinVar's aggregate classification.
Comment: This variant is classified as likely benign based on ACMG/AMP sequence variant interpretation guidelines (Richards et al. 2015 PMID: 25741868, with internal and published modifications).

Literature cited by the submitters: PubMed 25163546 (cited by Women's Health and Genetics/Laboratory Corporation of America, LabCorp and Athena Diagnostics); PubMed 26516846 (cited by Women's Health and Genetics/Laboratory Corporation of America, LabCorp); PubMed 23861362 (cited by Athena Diagnostics).

NM_001267550.2(TTN):c.5668C>T (p.Arg1890Cys)

Gene: TTN (titin; minus strand). Cytogenetic location: 2q31.2.
Variant type: single nucleotide variant.
Coding change: c.5668C>T on transcript NM_001267550.2 (MANE Select); coding-DNA position 5668, C replaced by T.
Protein change: p.Arg1890Cys; replaces arginine 1890 with cysteine.
Molecular consequence: missense variant.
Genome position (GRCh38, 1-based): chr2:178,776,196, G>A on the plus strand (C>T on the coding strand, the complement: TTN is on the minus strand). VCF-style: chr2-178776196-G-A. GRCh37 (hg19) VCF-style: chr2-179640923-G-A.
Other names: p.R1890C:CGC>TGC; c.5668C>T, p.Arg1890Cys (NM_001256850.1, NM_133378.4, NM_133379.5); c.5530C>T, p.Arg1844Cys (NM_003319.4, NM_133432.3, NM_133437.4); short protein forms R1890C, R1844C.
Identifiers: ClinVar variation 47210 (VCV000047210.38), dbSNP rs146496197, ClinGen allele CA140341.